The following is an entry in ClinVar:

ClinVar aggregate classification (germline): Pathogenic. Review status: criteria provided, multiple submitters, no conflicts (2 of 4 stars). 2 submissions from 2 submitters: Pathogenic (2). Last evaluated 2024-05-08.

Conditions:
Polyglandular autoimmune syndrome, type 1 (APS1). Also called: Autoimmune polyendocrine syndrome type 1; AUTOIMMUNE POLYENDOCRINE SYNDROME, TYPE I, WITH OR WITHOUT REVERSIBLE METAPHYSEAL DYSPLASIA; APS I; Autoimmune polyendocrinopathy syndrome , type I, with or without reversible metaphyseal dysplasia; Whitaker syndrome; Autoimmune polyendocrinopathy syndrome, type I. Identifiers: Orphanet 3453, MedGen C0085859, MONDO:0009411, OMIM 240300.

Submissions (2):

Myriad Genetics, Inc.
Classification: Pathogenic for Polyglandular autoimmune syndrome, type 1. Last evaluated: 2024-05-08. Review status: criteria provided, single submitter. Criteria: Myriad Autosomal Dominant, Autosomal Recessive and X-Linked Classification Criteria (2023). Collection method: clinical testing. Allele origin: unknown.
Comment: NM_000383.3(AIRE):c.1429G>T(G477*) is expected to be pathogenic in the context of autoimmune polyglandular syndrome type 1. This variant is predicted to lead to an abnormal or absent protein product due to the creation of a premature termination codon in AIRE, a gene where loss-of-function variants are known to be pathogenic. Please note: this variant was assessed in the context of healthy population screening.

Labcorp Genetics (formerly Invitae), Labcorp
Classification: Pathogenic for Polyglandular autoimmune syndrome, type 1. Last evaluated: 2020-11-21. Review status: criteria provided, single submitter. Criteria: Invitae Variant Classification Sherloc (09022015). Collection method: clinical testing. Allele origin: germline.
Comment: For these reasons, this variant has been classified as Pathogenic. This variant has not been reported in the literature in individuals with AIRE-related conditions. This variant is not present in population databases (ExAC no frequency). This sequence change creates a premature translational stop signal (p.Gly477*) in the AIRE gene. It is expected to result in an absent or disrupted protein product. Loss-of-function variants in AIRE are known to be pathogenic (PMID: 11524731, 26141571).

Literature cited by the submitters: PubMed 11524731 (cited by Labcorp Genetics (formerly Invitae), Labcorp); PubMed 26141571 (cited by Labcorp Genetics (formerly Invitae), Labcorp).

NM_000383.4(AIRE):c.1429G>T (p.Gly477Ter)

Gene: AIRE (autoimmune regulator; plus strand). Cytogenetic location: 21q22.3.
Variant type: single nucleotide variant.
Coding change: c.1429G>T on transcript NM_000383.4 (MANE Select); coding-DNA position 1429, G replaced by T.
Protein change: p.Gly477Ter; replaces glycine 477 with a stop codon.
Molecular consequence: nonsense.
Genome position (GRCh38, 1-based): chr21:44,294,429, G>T. VCF-style: chr21-44294429-G-T. GRCh37 (hg19) VCF-style: chr21-45714312-G-T.
Other names: short protein forms G477*.
Identifiers: ClinVar variation 1441280 (VCV001441280.7), dbSNP rs866898746, ClinGen allele CA410425902.